The following is an entry in ClinVar:

NM_001204.7(BMPR2):c.*1971C>T

Gene: BMPR2 (bone morphogenetic protein receptor type 2; plus strand). Cytogenetic location: 2q33.2.
Variant type: single nucleotide variant.
Coding change: c.*1971C>T on transcript NM_001204.7 (MANE Select); 1971 bases downstream of the stop codon, C replaced by T.
Molecular consequence: 3 prime UTR variant.
Genome position (GRCh38, 1-based): chr2:202,561,917, C>T. VCF-style: chr2-202561917-C-T. GRCh37 (hg19) VCF-style: chr2-203426640-C-T.
Identifiers: ClinVar variation 896971 (VCV000896971.4), dbSNP rs573926101, ClinGen allele CA64049216.

ClinVar aggregate classification (germline): Benign (1 of 4 stars; one submission).

Conditions:
Pulmonary hypertension, primary, 1 (PPH1). Also called: Pulmonary hypertension, familial primary, 1, with or without HHT. Identifiers: Orphanet 422, MedGen C4552070, MONDO:0024533, OMIM 178600.

Allele frequency attached by ClinVar (database versions not stated): gnomAD 0.00013 and 0.00002; 1000 Genomes Project 0.00200; 1000 Genomes Project 30x 0.00141; TOPMed 0.00013.
gnomAD v4.1: 20 of 152,182 alleles (0.013%); highest among the groups gnomAD compares: South Asian, 0.33%; 1 homozygote.

Submission:

Illumina Laboratory Services, Illumina
Classification: Benign for Pulmonary hypertension, primary, 1. Last evaluated: 2018-01-12. Review status: criteria provided, single submitter. Criteria: ICSL Variant Classification Criteria 13 December 2019. Collection method: clinical testing. Allele origin: germline.
Comment: This variant was observed in the ICSL laboratory as part of a predisposition screen in an ostensibly healthy population. It had not been previously curated by ICSL or reported in the Human Gene Mutation Database (HGMD: prior to June 1st, 2018), and was therefore a candidate for classification through an automated scoring system. Utilizing variant allele frequency, disease prevalence and penetrance estimates, and inheritance mode, an automated score was calculated to assess if this variant is too frequent to cause the disease. Based on the score and internal cut-off values, a variant classified as benign is not then subjected to further curation. The score for this variant resulted in a classification of benign for this disease.